The following is an entry in ClinVar:

NM_000350.3(ABCA4):c.4895dup (p.Asn1632fs)

Genes: ABCA4 (ATP binding cassette subfamily A member 4; minus strand), LOC126805793 (CDK7 strongly-dependent group 2 enhancer GRCh37_chr1:94486302-94487501; plus strand). Cytogenetic location: 1p22.1.
Variant type: Duplication.
Coding change: c.4895dup on transcript NM_000350.3 (MANE Select); coding-DNA position 4895, one base duplicated (A; older notation c.4895dupA).
Protein change: p.Asn1632fs; shifts the reading frame from asparagine 1632.
Molecular consequence: frameshift variant.
Genome position (GRCh38, 1-based): chr1:94,021,363, T duplicated on the plus strand (A on the coding strand, the reverse complement: ABCA4 is on the minus strand); the first of 2 consecutive T bases (chr1:94,021,363-94,021,364); duplicating either gives the same sequence. VCF-style (leftmost placement, unchanged base first): chr1-94021362-A-AT. GRCh37 (hg19) VCF-style: chr1-94486918-A-AT.
Other names: NM_000350.3(ABCA4):c.4895dup; p.Asn1632fs; c.4672dup, p.Asn1558Lysfs (NM_001425324.1); short protein forms N1632fs.
Identifiers: ClinVar variation 812202 (VCV000812202.2), dbSNP rs1571257937, ClinGen allele CA915941330.

ClinVar aggregate classification (germline): Pathogenic. Review status: reviewed by expert panel (3 of 4 stars). 2 submissions from 2 submitters: Pathogenic (1). 1 of the submissions does not count toward it. Last evaluated 2025-12-05.

Conditions:
ABCA4-related retinopathy. Also called: ABCA4 retinoapthy; ABCA4-related retinoapthy. Identifiers: MedGen CN322612, MONDO:0800406.
Cone-rod dystrophy. Also called: Cone-rod degeneration; Cone/cone-rod dystrophy. Identifiers: Orphanet 1872, MedGen C4085590, MONDO:0015993, HP:0000548.

Submissions (2):

ClinGen ABCA4 Variant Curation Expert Panel, Clingen
Classification: Pathogenic for ABCA4-related retinopathy. Last evaluated: 2025-12-05. Review status: reviewed by expert panel. Criteria: ClinGen ABCA4 ACMG Specifications V1.0.0. Collection method: curation. Allele origin: germline. Inheritance: Autosomal recessive inheritance.
Comment: The NM_000350.3:c.4895dup; p.Asn1632Lysfs*14 variant in ABCA4 is a frameshift variant predicted to cause a premature stop codon in biologically-relevant exon 35/50, and introduces a premature stop codon between codons 1-2255 (PVS1). This variant is absent from gnomAD v4.1.0 (PM2_Supporting). At least 3 individuals with ABCA4-retinopathy have been reported with this variant. One proband with this variant has been reported to have Stargardt disease (PMID: 31456290, 37705246), and is compound heterozygous for the c.4895dup variant and the complex modifier variant c.769-784C>T(;)5882G>A, although the phase of the variants was not confirmed (PMID: 37705246). One of the variants assumed to be in trans, c.5882G>A; p.G1961E, is pathogenic (PM3_Supporting). In summary, this variant meets the criteria to be classified as pathogenic for ABCA4-related retinopathy based on the ACMG/AMP criteria applied, as specified by the ClinGen ABCA4 VCEP (Specification Version 1): PVS1, PM2_Supporting, PM3_Supporting.

Sharon lab, Hadassah-Hebrew University Medical Center
Classification: Pathogenic for Cone-rod degeneration. Last evaluated: 2019-06-23. Review status: no assertion criteria provided. Collection method: research. Allele origin: inherited. Affected: yes. Not counted in ClinVar's aggregate classification.